The following is an entry in ClinVar:

ClinVar aggregate classification (germline): Pathogenic/Likely pathogenic. Review status: criteria provided, multiple submitters, no conflicts (2 of 4 stars). 4 submissions from 4 submitters: Pathogenic (1); Likely pathogenic (3). Last evaluated 2025-08-17.

Conditions:
Charcot-Marie-Tooth disease type 4C (CMT4C). Also called: SH3TC2-Related Hereditary Motor and Sensory Neuropathy; Charcot-Marie-Tooth Neuropathy Type 4C (CMT4C); CHARCOT-MARIE-TOOTH DISEASE, DEMYELINATING, AUTOSOMAL RECESSIVE, TYPE 4C; CMT 4C; CHARCOT-MARIE-TOOTH DISEASE, DEMYELINATING, TYPE 4C. Identifiers: Orphanet 99949, MedGen C1866636, MONDO:0011113, OMIM 601596.
Susceptibility to mononeuropathy of the median nerve, mild. Also called: CARPAL TUNNEL SYNDROME, SUSCEPTIBILITY TO. Identifiers: MedGen C3150596, MONDO:0013237, OMIM 613353.
Charcot-Marie-Tooth disease type 4. Also called: Charcot-Marie-Tooth disease, type IV; Charcot-Marie-Tooth, Type 4. Identifiers: Orphanet 64749, MedGen C4082197, MONDO:0018995.

Allele frequency attached by ClinVar (database versions not stated): gnomAD exomes below 0.00001; gnomAD 0.00001; TOPMed 0.00001.
gnomAD v4.1: 3 of 1,613,506 alleles (0.00019%); highest among the groups gnomAD compares: Non-Finnish European, 0.00025%; no homozygotes.

Submissions (4):

Labcorp Genetics (formerly Invitae), Labcorp
Classification: Pathogenic for Charcot-Marie-Tooth disease type 4. Last evaluated: 2025-08-17. Review status: criteria provided, single submitter. Criteria: Invitae Variant Classification Sherloc (09022015). Collection method: clinical testing. Allele origin: germline.
Comment: This sequence change creates a premature translational stop signal (p.Tyr125*) in the SH3TC2 gene. It is expected to result in an absent or disrupted protein product. Loss-of-function variants in SH3TC2 are known to be pathogenic (PMID: 20220177, 27068304). This variant is not present in population databases (gnomAD no frequency). This premature translational stop signal has been observed in individual(s) with neuropathy (PMID: 25614874). ClinVar contains an entry for this variant (Variation ID: 842178). For these reasons, this variant has been classified as Pathogenic.

Fulgent Genetics
Classification: Likely pathogenic for Charcot-Marie-Tooth disease type 4C; Susceptibility to mononeuropathy of the median nerve, mild. Last evaluated: 2024-03-01. Review status: criteria provided, single submitter. Criteria: ACMG Guidelines, 2015. Collection method: clinical testing. Allele origin: germline.

GeneDx
Classification: Likely pathogenic. Last evaluated: 2024-02-29. Review status: criteria provided, single submitter. Criteria: GeneDx Variant Classification Process June 2021. Collection method: clinical testing. Allele origin: germline. Affected: yes.
Comment: Nonsense variant predicted to result in protein truncation or nonsense mediated decay in a gene for which loss of function is a known mechanism of disease; Not observed at significant frequency in large population cohorts (gnomAD); This variant is associated with the following publications: (PMID: 25614874)

Athena Diagnostics
Classification: Likely pathogenic. Last evaluated: 2022-06-15. Review status: criteria provided, single submitter. Criteria: Athena Diagnostics Criteria. Collection method: clinical testing. Allele origin: unknown.
Comment: This variant is expected to result in the loss of a functional protein. The frequency of this variant in the general population is consistent with pathogenicity.

Literature cited by the submitters: PubMed 20220177 (cited by Labcorp Genetics (formerly Invitae), Labcorp); PubMed 27068304 (cited by Labcorp Genetics (formerly Invitae), Labcorp); PubMed 25614874 (cited by Labcorp Genetics (formerly Invitae), Labcorp and Athena Diagnostics).

NM_024577.4(SH3TC2):c.375C>A (p.Tyr125Ter)

Gene: SH3TC2 (SH3 domain and tetratricopeptide repeats 2; minus strand). Cytogenetic location: 5q32.
Variant type: single nucleotide variant.
Coding change: c.375C>A on transcript NM_024577.4 (MANE Select); coding-DNA position 375, C replaced by A.
Protein change: p.Tyr125Ter; replaces tyrosine 125 with a stop codon.
Molecular consequence: nonsense.
Genome position (GRCh38, 1-based): chr5:149,044,543, G>T on the plus strand (C>A on the coding strand, the complement: SH3TC2 is on the minus strand). VCF-style: chr5-149044543-G-T. GRCh37 (hg19) VCF-style: chr5-148424106-G-T.
Other names: short protein forms Y125*.
Identifiers: ClinVar variation 842178 (VCV000842178.12), dbSNP rs1754425732, ClinGen allele CA361676525.
Genomic context (GRCh38, chr5:149,044,543, plus strand): 5'-GGCTAAATTGTGGAGGAGGTCATCCTCCACCTGCTTGCCTTGTACCATACCTAAATTAAG[G>T]TAGGTGGAGAACTTCCAGATTTCCTCCATGGTCTTGAAGGTGATGAGAAACTGGGCCCTC-3'